The following is an entry in ClinVar:

ClinVar aggregate classification (germline): Uncertain significance (1 of 4 stars; one submission).

Conditions:
CHARGE syndrome (CHARGE). Also called: Hittner Hirsch Kreh syndrome; CHARGE ASSOCIATION--COLOBOMA, HEART ANOMALY, CHOANAL ATRESIA, RETARDATION, GENITAL AND EAR ANOMALIES; Coloboma, heart anomaly, choanal atresia, retardation, genital and ear anomalies; CHARGE association; Hall-Hittner syndrome. Identifiers: Orphanet 138, MedGen C0265354, MONDO:0008965.

Allele frequency attached by ClinVar (database versions not stated): gnomAD exomes below 0.00001; ExAC 0.00001.
gnomAD v4.1: 1 of 1,611,892 alleles (0.000062%); highest among the groups gnomAD compares: African/African-American, 0.0013%; no homozygotes.

Submission:

Labcorp Genetics (formerly Invitae), Labcorp
Classification: Uncertain significance for CHARGE syndrome. Last evaluated: 2023-10-17. Review status: criteria provided, single submitter. Criteria: Invitae Variant Classification Sherloc (09022015). Collection method: clinical testing. Allele origin: germline.
Comment: This sequence change affects an acceptor splice site in intron 6 of the SEMA3E gene. It is expected to disrupt RNA splicing. Variants that disrupt the donor or acceptor splice site typically lead to a loss of protein function (PMID: 16199547), however the current clinical and genetic evidence is not sufficient to establish whether loss-of-function variants in SEMA3E cause disease. This variant is present in population databases (no rsID available, gnomAD 0.007%). This variant has not been reported in the literature in individuals affected with SEMA3E-related conditions. Algorithms developed to predict the effect of sequence changes on RNA splicing suggest that this variant may disrupt the consensus splice site. In summary, the available evidence is currently insufficient to determine the role of this variant in disease. Therefore, it has been classified as a Variant of Uncertain Significance.

Literature cited by the submitters: PubMed 16199547.

NM_012431.3(SEMA3E):c.671-2A>G

Gene: SEMA3E (semaphorin 3E; minus strand). Cytogenetic location: 7q21.11.
Variant type: single nucleotide variant.
Coding change: c.671-2A>G on transcript NM_012431.3 (MANE Select); the canonical splice acceptor site of the intron before coding-DNA position 671, A replaced by G.
Molecular consequence: splice acceptor variant.
Genome position (GRCh38, 1-based): chr7:83,407,241, T>C on the plus strand (A>G on the coding strand, the complement: SEMA3E is on the minus strand). VCF-style: chr7-83407241-T-C. GRCh37 (hg19) VCF-style: chr7-83036557-T-C.
Other names: c.491-2A>G (NM_001178129.2).
Identifiers: ClinVar variation 2960955 (VCV002960955.3), dbSNP rs1554320729, ClinGen allele CA4322240.
Genomic context (GRCh38, chr7:83,407,241, plus strand): 5'-TTTGTTGTCATCTCTGTCTTCATTGTCAGGAATCATGTATGAACCTACAAATTTTGGTTC[T>C]ATAGGAGCAAAAAATAGGAGAAAAAGTGAAATAGATATTACAACTAAATGCTAACAAGTT-3'